The following is an entry in ClinVar:

NM_022455.5(NSD1):c.3383C>T (p.Ser1128Phe)

Gene: NSD1 (nuclear receptor binding SET domain protein 1; plus strand). Cytogenetic location: 5q35.3.
Variant type: single nucleotide variant.
Coding change: c.3383C>T on transcript NM_022455.5 (MANE Select); coding-DNA position 3383, C replaced by T.
Protein change: p.Ser1128Phe; replaces serine 1128 with phenylalanine.
Molecular consequence: missense variant.
Genome position (GRCh38, 1-based): chr5:177,211,782, C>T. VCF-style: chr5-177211782-C-T. GRCh37 (hg19) VCF-style: chr5-176638783-C-T.
Other names: c.2510C>T, p.Ser837Phe (NM_001409307.1, NM_001409308.1, NM_001409309.1 and 3 more transcripts); c.3383C>T, p.Ser1128Phe (NM_001409301.1, NM_001409302.1, NM_001409303.1); c.2963C>T, p.Ser988Phe (NM_001409304.1); c.2630C>T, p.Ser877Phe (NM_001409305.1); short protein forms S1128F, S859F, S837F, S877F, S988F.
Identifiers: ClinVar variation 197850 (VCV000197850.11), dbSNP rs559441081, ClinGen allele CA246221.

ClinVar aggregate classification (germline): Conflicting classifications of pathogenicity. Review status: criteria provided, conflicting classifications (1 of 4 stars). 3 submissions from 3 submitters: Uncertain significance (1); Likely benign (1). 1 of the submissions does not count toward it. Last evaluated 2026-01-26.

Conditions:
NSD1-related disorder. Also called: NSD1-related condition.

gnomAD v4.1: 1 of 1,614,114 alleles (0.000062%); highest among the groups gnomAD compares: Admixed American, 0.0017%; no homozygotes.

Submissions (3):

Labcorp Genetics (formerly Invitae), Labcorp
Classification: Likely benign. Last evaluated: 2026-01-26. Review status: criteria provided, single submitter. Criteria: Invitae Variant Classification Sherloc (09022015). Collection method: clinical testing. Allele origin: germline.

Eurofins Ntd Llc (ga)
Classification: Uncertain significance. Last evaluated: 2014-08-20. Review status: criteria provided, single submitter. Criteria: EGL Classification Definitions 2015. Collection method: clinical testing. Allele origin: germline. Observed: 1 variant allele, 1 heterozygote.

PreventionGenetics, part of Exact Sciences
Classification: Uncertain significance for NSD1-related condition. Last evaluated: 2024-06-13. Review status: no assertion criteria provided. Collection method: clinical testing. Allele origin: germline. Not counted in ClinVar's aggregate classification.
Comment: The NSD1 c.3383C>T variant is predicted to result in the amino acid substitution p.Ser1128Phe. To our knowledge, this variant has not been reported in the literature. This variant is reported in 0.0029% of alleles in individuals of Latino descent in gnomAD. At this time, the clinical significance of this variant is uncertain due to the absence of conclusive functional and genetic evidence.